The following is an entry in ClinVar:

NM_182914.3(SYNE2):c.12306+124T>C

Gene: SYNE2 (spectrin repeat containing nuclear envelope protein 2; plus strand). Cytogenetic location: 14q23.2.
Variant type: single nucleotide variant.
Coding change: c.12306+124T>C on transcript NM_182914.3 (MANE Select); 124 bases into the intron after coding-DNA position 12306, T replaced by C.
Molecular consequence: intron variant.
Genome position (GRCh38, 1-based): chr14:64,098,270, T>C. VCF-style: chr14-64098270-T-C. GRCh37 (hg19) VCF-style: chr14-64564988-T-C.
Other names: c.12306+124T>C (NM_015180.6).
Identifiers: ClinVar variation 4795569 (VCV004795569.1).

ClinVar aggregate classification (germline): Likely benign (1 of 4 stars; one submission).

gnomAD v4.1: 20,764 of 1,044,946 alleles (2%); highest among the groups gnomAD compares: Non-Finnish European, 2.5%; 284 homozygotes.

Submission:

GeneDx
Classification: Likely benign. Last evaluated: 2018-07-06. Review status: criteria provided, single submitter. Criteria: GeneDx Variant Classification Process June 2021. Collection method: clinical testing. Allele origin: germline. Affected: yes.
Comment: See Variant Classification Assertion Criteria.